The following is an entry in ClinVar:

NM_152419.3(HGSNAT):c.1129-10C>A

Gene: HGSNAT (heparan-alpha-glucosaminide N-acetyltransferase; plus strand). Cytogenetic location: 8p11.21.
Variant type: single nucleotide variant.
Coding change: c.1129-10C>A on transcript NM_152419.3 (MANE Select); 10 bases into the intron before coding-DNA position 1129, C replaced by A.
Molecular consequence: intron variant.
Genome position (GRCh38, 1-based): chr8:43,191,464, C>A. VCF-style: chr8-43191464-C-A. GRCh37 (hg19) VCF-style: chr8-43046607-C-A.
Other names: c.1129-10C>A (NM_001363227.2, NM_152419.2); c.265-10C>A (NM_001363229.2); c.937-10C>A (NM_001363228.2).
Identifiers: ClinVar variation 2142286 (VCV002142286.6), dbSNP rs894662865, ClinGen allele CA176073521.
Genomic context (GRCh38, chr8:43,191,464, plus strand): 5'-AAGACATGTGCTTAGTTCCCTTCTATTTGCATTTAGTTCACCCGTGTTTTATTTTTCTGC[C>A]CCCACTCAGGAGAGGAGCTGCCTTTCTCTTCGAGACATCACGTCCAGCTGGCCCCAGTGG-3'

ClinVar aggregate classification (germline): Conflicting classifications of pathogenicity. Review status: criteria provided, conflicting classifications (1 of 4 stars). 3 submissions from 3 submitters: Uncertain significance (1); Likely benign (2). Last evaluated 2026-06-04.

Conditions:
Mucopolysaccharidosis, MPS-III-C (MPS3C). Also called: SANFILIPPO SYNDROME C; MPS III C; mucopolysaccharidosis type 3C; MUCOPOLYSACCHARIDOSIS, TYPE IIIC; MPS IIIC (Sanfilippo Syndrome Type C); Mucopolysaccharidosis type IIIC (Sanfilippo C). Identifiers: Orphanet 581, Orphanet 79271, MedGen C0086649, MONDO:0009657, OMIM 252930.
Retinitis pigmentosa 73 (RP73). Identifiers: Orphanet 791, MedGen C4225287, MONDO:0014687, OMIM 616544.
HGSNAT-related disorder. Also called: HGSNAT-related condition.

Allele frequency attached by ClinVar (database versions not stated): gnomAD exomes 0.00001.
gnomAD v4.1: 3 of 1,610,272 alleles (0.00019%); highest among the groups gnomAD compares: Admixed American, 0.0017%; no homozygotes.

Submissions (3):

PreventionGenetics, part of Exact Sciences
Classification: Likely benign for HGSNAT-related condition. Last evaluated: 2026-06-04. Review status: criteria provided, single submitter. Criteria: ACMG Guidelines, 2015. Collection method: clinical testing. Allele origin: germline.
Comment: This variant is classified as likely benign based on ACMG/AMP sequence variant interpretation guidelines (Richards et al. 2015 PMID: 25741868, with internal and published modifications).

Blueprint Genetics
Classification: Uncertain significance. Last evaluated: 2023-10-25. Review status: criteria provided, single submitter. Criteria: ACMG Guidelines, 2015. Collection method: clinical testing. Allele origin: germline.

Labcorp Genetics (formerly Invitae), Labcorp
Classification: Likely benign for Retinitis pigmentosa 73; Mucopolysaccharidosis, MPS-III-C. Last evaluated: 2023-07-21. Review status: criteria provided, single submitter. Criteria: Invitae Variant Classification Sherloc (09022015). Collection method: clinical testing. Allele origin: germline.